The following is an entry in ClinVar:

ClinVar aggregate classification (germline): Uncertain significance (1 of 4 stars; one submission).

Allele frequency attached by ClinVar (database versions not stated): gnomAD 0.00001.
gnomAD v4.1: 6 of 1,613,904 alleles (0.00037%); highest among the groups gnomAD compares: Non-Finnish European, 0.00051%; no homozygotes.

Submission:

Labcorp Genetics (formerly Invitae), Labcorp
Classification: Uncertain significance. Last evaluated: 2023-03-17. Review status: criteria provided, single submitter. Criteria: Invitae Variant Classification Sherloc (09022015). Collection method: clinical testing. Allele origin: germline.
Comment: This sequence change replaces aspartic acid, which is acidic and polar, with histidine, which is basic and polar, at codon 432 of the PLG protein (p.Asp432His). This variant is present in population databases (rs770460362, gnomAD 0.0009%). This variant has not been reported in the literature in individuals affected with PLG-related conditions. ClinVar contains an entry for this variant (Variation ID: 1947302). Advanced modeling of protein sequence and biophysical properties (such as structural, functional, and spatial information, amino acid conservation, physicochemical variation, residue mobility, and thermodynamic stability) performed at Invitae indicates that this missense variant is not expected to disrupt PLG protein function. In summary, the available evidence is currently insufficient to determine the role of this variant in disease. Therefore, it has been classified as a Variant of Uncertain Significance.

NM_000301.5(PLG):c.1294G>C (p.Asp432His)

Gene: PLG (plasminogen; plus strand). Cytogenetic location: 6q26.
Variant type: single nucleotide variant.
Coding change: c.1294G>C on transcript NM_000301.5 (MANE Select); coding-DNA position 1294, G replaced by C.
Protein change: p.Asp432His; replaces aspartic acid 432 with histidine.
Molecular consequence: missense variant.
Genome position (GRCh38, 1-based): chr6:160,731,088, G>C. VCF-style: chr6-160731088-G-C. GRCh37 (hg19) VCF-style: chr6-161152120-G-C.
Other names: short protein forms D432H.
Identifiers: ClinVar variation 1947302 (VCV001947302.5), dbSNP rs770460362, ClinGen allele CA4087743.